The following is an entry in ClinVar:

NM_004064.5(CDKN1B):c.223G>T (p.Glu75Ter)

Gene: CDKN1B (cyclin dependent kinase inhibitor 1B; plus strand). Cytogenetic location: 12p13.1.
Variant type: single nucleotide variant.
Coding change: c.223G>T on transcript NM_004064.5 (MANE Select); coding-DNA position 223, G replaced by T.
Protein change: p.Glu75Ter; replaces glutamic acid 75 with a stop codon.
Molecular consequence: nonsense.
Genome position (GRCh38, 1-based): chr12:12,718,062, G>T. VCF-style: chr12-12718062-G-T. GRCh37 (hg19) VCF-style: chr12-12870996-G-T.
Other names: short protein forms E75*.
Identifiers: ClinVar variation 4730871 (VCV004730871.1).

ClinVar aggregate classification (germline): Pathogenic (1 of 4 stars; one submission).

Conditions:
Multiple endocrine neoplasia type 4. Also called: MULTIPLE ENDOCRINE NEOPLASIA, TYPE IV. Identifiers: Orphanet 276152, MedGen C1970712, MONDO:0012552, OMIM 610755.

Submission:

Labcorp Genetics (formerly Invitae), Labcorp
Classification: Pathogenic for Multiple endocrine neoplasia type 4. Last evaluated: 2025-11-10. Review status: criteria provided, single submitter. Criteria: Invitae Variant Classification Sherloc (09022015). Collection method: clinical testing. Allele origin: germline.
Comment: This sequence change creates a premature translational stop signal (p.Glu75*) in the CDKN1B gene. It is expected to result in an absent or disrupted protein product. Loss-of-function variants in CDKN1B are known to be pathogenic (PMID: 17030811, 24819502). This variant is not present in population databases (gnomAD no frequency). This variant has not been reported in the literature in individuals affected with CDKN1B-related conditions. For these reasons, this variant has been classified as Pathogenic.

Literature cited by the submitters: PubMed 17030811; PubMed 24819502.